The following is an entry in ClinVar:

NM_000329.3(RPE65):c.503T>G (p.Leu168Arg)

Gene: RPE65 (retinoid isomerohydrolase RPE65; minus strand). Cytogenetic location: 1p31.3.
Variant type: single nucleotide variant.
Coding change: c.503T>G on transcript NM_000329.3 (MANE Select); coding-DNA position 503, T replaced by G.
Protein change: p.Leu168Arg; replaces leucine 168 with arginine.
Molecular consequence: missense variant.
Genome position (GRCh38, 1-based): chr1:68,440,993, A>C on the plus strand (T>G on the coding strand, the complement: RPE65 is on the minus strand). VCF-style: chr1-68440993-A-C. GRCh37 (hg19) VCF-style: chr1-68906676-A-C.
Other names: c.395T>G, p.Leu132Arg (NM_001406853.1); c.227T>G, p.Leu76Arg (NM_001406856.1, NM_001406857.1); c.503T>G, p.Leu168Arg (NM_001406859.1); short protein forms L132R, L168R, L76R.
Identifiers: ClinVar variation 3752212 (VCV003752212.2).

ClinVar aggregate classification (germline): Uncertain significance (1 of 4 stars; one submission).

Conditions:
Retinitis pigmentosa 20 (RP20). Identifiers: Orphanet 791, MedGen C3151086, MONDO:0013425, OMIM 613794.
Leber congenital amaurosis 2 (LCA2). Also called: AMAUROSIS CONGENITA OF LEBER II; Autosomal Recessive RPE65-Related Retinal Degeneration. Identifiers: Orphanet 65, MedGen C1859844, MONDO:0008765, OMIM 204100. Disease mechanism: loss of function.

Submission:

Labcorp Genetics (formerly Invitae), Labcorp
Classification: Uncertain significance for Leber congenital amaurosis 2; Retinitis pigmentosa 20. Last evaluated: 2024-02-16. Review status: criteria provided, single submitter. Criteria: Invitae Variant Classification Sherloc (09022015). Collection method: clinical testing. Allele origin: germline.
Comment: This sequence change replaces leucine, which is neutral and non-polar, with arginine, which is basic and polar, at codon 168 of the RPE65 protein (p.Leu168Arg). This variant is not present in population databases (gnomAD no frequency). This variant has not been reported in the literature in individuals affected with RPE65-related conditions. Advanced modeling of protein sequence and biophysical properties (such as structural, functional, and spatial information, amino acid conservation, physicochemical variation, residue mobility, and thermodynamic stability) performed at Invitae indicates that this missense variant is not expected to disrupt RPE65 protein function with a negative predictive value of 80%. In summary, the available evidence is currently insufficient to determine the role of this variant in disease. Therefore, it has been classified as a Variant of Uncertain Significance.